The following is an entry in ClinVar:

ClinVar aggregate classification (germline): Uncertain significance (1 of 4 stars; one submission).

Conditions:
Joubert syndrome. Also called: CEREBELLOPARENCHYMAL DISORDER IV; JOUBERT-BOLTSHAUSER SYNDROME; Familial aplasia of the vermis. Identifiers: Orphanet 475, MedGen C5979921, MONDO:0018772.
Nephronophthisis. Also called: Juvenile Nephronophthisis. Identifiers: Orphanet 655, MedGen C0687120, MONDO:0019005, HP:0000090.
Meckel-Gruber syndrome. Also called: DYSENCEPHALIA SPLANCHNOCYSTICA; GRUBER SYNDROME; Dysencephalia splachnocystica. Identifiers: Orphanet 564, MedGen C0265215, MONDO:0018921.

Submission:

Labcorp Genetics (formerly Invitae), Labcorp
Classification: Uncertain significance for Joubert syndrome; Meckel-Gruber syndrome; Nephronophthisis. Last evaluated: 2023-07-10. Review status: criteria provided, single submitter. Criteria: Invitae Variant Classification Sherloc (09022015). Collection method: clinical testing. Allele origin: germline.
Comment: This sequence change replaces alanine, which is neutral and non-polar, with serine, which is neutral and polar, at codon 533 of the CEP290 protein (p.Ala533Ser). This variant is not present in population databases (gnomAD no frequency). This variant has not been reported in the literature in individuals affected with CEP290-related conditions. ClinVar contains an entry for this variant (Variation ID: 2097384). Advanced modeling of protein sequence and biophysical properties (such as structural, functional, and spatial information, amino acid conservation, physicochemical variation, residue mobility, and thermodynamic stability) performed at Invitae indicates that this missense variant is expected to disrupt CEP290 protein function. In summary, the available evidence is currently insufficient to determine the role of this variant in disease. Therefore, it has been classified as a Variant of Uncertain Significance.

NM_025114.4(CEP290):c.1597G>T (p.Ala533Ser)

Gene: CEP290 (centrosomal protein 290; minus strand). Cytogenetic location: 12q21.32.
Variant type: single nucleotide variant.
Coding change: c.1597G>T on transcript NM_025114.4 (MANE Select); coding-DNA position 1597, G replaced by T.
Protein change: p.Ala533Ser; replaces alanine 533 with serine.
Molecular consequence: missense variant.
Genome position (GRCh38, 1-based): chr12:88,118,669, C>A on the plus strand (G>T on the coding strand, the complement: CEP290 is on the minus strand). VCF-style: chr12-88118669-C-A. GRCh37 (hg19) VCF-style: chr12-88512446-C-A.
Other names: short protein forms A533S.
Identifiers: ClinVar variation 2097384 (VCV002097384.4), dbSNP rs761507465, ClinGen allele CA385979222.